The following is an entry in ClinVar:

ClinVar aggregate classification (germline): Uncertain significance (1 of 4 stars; one submission).

Conditions:
Hereditary cancer-predisposing syndrome. Also called: Tumor predisposition; Hereditary Cancer Syndrome; Neoplastic Syndromes, Hereditary; Hereditary neoplastic syndrome. Identifiers: Orphanet 140162, MedGen C0027672, MeSH D009386, MONDO:0015356.

Allele frequency attached by ClinVar (database versions not stated): gnomAD exomes below 0.00001.
gnomAD v4.1: 1 of 1,612,764 alleles (0.000062%); highest among the groups gnomAD compares: Non-Finnish European, 0.000085%; no homozygotes.

Submission:

Ambry Genetics
Classification: Uncertain significance for Hereditary cancer-predisposing syndrome. Last evaluated: 2015-11-02. Review status: criteria provided, single submitter. Criteria: Ambry Variant Classification Scheme 2023. Collection method: clinical testing. Allele origin: germline.
Comment: The p.E369V variant (also known as c.1106A>T), located in coding exon 5 of the SMARCA4 gene, results from an A to T substitution at nucleotide position 1106. The glutamic acid at codon 369 is replaced by valine, an amino acid with dissimilar properties. This variant was not reported in population based cohorts in the following databases: Database of Single Nucleotide Polymorphisms (dbSNP), NHLBI Exome Sequencing Project (ESP), and 1000 Genomes Project. In the ESP, this variant was not observed in 6338 samples (12676 alleles) with coverage at this position. To date, this alteration has been detected with an allele frequency of approximately 0.003% (greater than 30000 alleles tested) in our clinical cohort. This amino acid position is highly conserved in available vertebrate species. In addition, the in silico prediction for this alteration is inconclusive. Since supporting evidence is limited at this time, the clinical significance of p.E369V remains unclear.

NM_003072.5(SMARCA4):c.1106A>T (p.Glu369Val)

Gene: SMARCA4 (SWI/SNF related BAF chromatin remodeling complex subunit ATPase 4; plus strand). Cytogenetic location: 19p13.2.
Variant type: single nucleotide variant.
Coding change: c.1106A>T on transcript NM_003072.5 (MANE Select); coding-DNA position 1106, A replaced by T.
Protein change: p.Glu369Val; replaces glutamic acid 369 with valine.
Molecular consequence: missense variant. On other transcripts: non-coding transcript variant (1).
Genome position (GRCh38, 1-based): chr19:10,987,912, A>T. VCF-style: chr19-10987912-A-T. GRCh37 (hg19) VCF-style: chr19-11098588-A-T.
Other names: c.1106A>T, p.Glu369Val (NM_001128844.3, NM_001128845.2, NM_001128846.2 and 6 more transcripts); short protein forms E369V.
Identifiers: ClinVar variation 1793734 (VCV001793734.2), dbSNP rs2145822600, ClinGen allele CA404058928.